The following is an entry in ClinVar:

NM_000210.4(ITGA6):c.2296G>T (p.Asp766Tyr)

Genes: ITGA6 (integrin subunit alpha 6; plus strand), PDK1-AS1 (PDK1 and ITGA6 antisense RNA 1; minus strand). Cytogenetic location: 2q31.1.
Variant type: single nucleotide variant.
Coding change: c.2296G>T on transcript NM_000210.4 (MANE Select); coding-DNA position 2296, G replaced by T.
Protein change: p.Asp766Tyr; replaces aspartic acid 766 with tyrosine.
Molecular consequence: missense variant.
Genome position (GRCh38, 1-based): chr2:172,487,779, G>T. VCF-style: chr2-172487779-G-T. GRCh37 (hg19) VCF-style: chr2-173352507-G-T.
Other names: c.2296G>T, p.Asp766Tyr (NM_001079818.3, NM_001365529.2, NM_001365530.2); c.1939G>T, p.Asp647Tyr (NM_001316306.2); short protein forms D766Y, D647Y.
Identifiers: ClinVar variation 332374 (VCV000332374.19), dbSNP rs2737085, ClinGen allele CA1968350.

ClinVar aggregate classification (germline): Benign. Review status: criteria provided, multiple submitters, no conflicts (2 of 4 stars). 5 submissions from 5 submitters: Benign (4). 1 of the submissions does not count toward it. Last evaluated 2026-02-02.

Conditions:
ITGA6-related disorder. Also called: ITGA6-related condition.
Junctional epidermolysis bullosa with pyloric atresia. Also called: ITGB4-Related Epidermolysis Bullosa with Pyloric Atresia; ITGA6-Related Epidermolysis Bullosa with Pyloric Atresia; EPIDERMOLYSIS BULLOSA, JUNCTIONAL 5B, WITH PYLORIC ATRESIA; APLASIA CUTIS CONGENITA WITH GASTROINTESTINAL ATRESIA; CARMI SYNDROME; EB-PA-ACC. Identifiers: Orphanet 79403, MedGen C5676875, MONDO:0009183, OMIM 226730.

Allele frequency attached by ClinVar (database versions not stated): gnomAD exomes 0.00607; ExAC 0.00772; gnomAD 0.02255; TOPMed 0.02742; 1000 Genomes Project 0.02815; ESP Exome Variant Server 0.02822; 1000 Genomes Project 30x 0.02998.
gnomAD v4.1: 7,013 of 1,611,508 alleles (0.44%); highest among the groups gnomAD compares: African/African-American, 8.2%; 267 homozygotes.

Submissions (5):

Labcorp Genetics (formerly Invitae), Labcorp
Classification: Benign. Last evaluated: 2026-02-02. Review status: criteria provided, single submitter. Criteria: Invitae Variant Classification Sherloc (09022015). Collection method: clinical testing. Allele origin: germline.

GeneDx
Classification: Benign. Last evaluated: 2021-05-04. Review status: criteria provided, single submitter. Criteria: GeneDx Variant Classification Process June 2021. Collection method: clinical testing. Allele origin: germline. Affected: yes.

Illumina Laboratory Services, Illumina
Classification: Benign for Junctional epidermolysis bullosa with pyloric atresia. Last evaluated: 2018-01-13. Review status: criteria provided, single submitter. Criteria: ICSL Variant Classification Criteria 13 December 2019. Collection method: clinical testing. Allele origin: germline.
Comment: This variant was observed in the ICSL laboratory as part of a predisposition screen in an ostensibly healthy population. It had not been previously curated by ICSL or reported in the Human Gene Mutation Database (HGMD: prior to June 1st, 2018), and was therefore a candidate for classification through an automated scoring system. Utilizing variant allele frequency, disease prevalence and penetrance estimates, and inheritance mode, an automated score was calculated to assess if this variant is too frequent to cause the disease. Based on the score and internal cut-off values, a variant classified as benign is not then subjected to further curation. The score for this variant resulted in a classification of benign for this disease.

Breakthrough Genomics
Classification: Benign. Review status: criteria provided, single submitter. Criteria: ACMG Guidelines, 2015. Collection method: not provided. Allele origin: germline. Inheritance: Autosomal recessive inheritance. Affected: yes.

PreventionGenetics, part of Exact Sciences
Classification: Benign for ITGA6-related condition. Last evaluated: 2019-06-17. Review status: no assertion criteria provided. Collection method: clinical testing. Allele origin: germline. Not counted in ClinVar's aggregate classification.
Comment: This variant is classified as benign based on ACMG/AMP sequence variant interpretation guidelines (Richards et al. 2015 PMID: 25741868, with internal and published modifications).